The following is an entry in ClinVar:

ClinVar aggregate classification (germline): Uncertain significance. Review status: criteria provided, multiple submitters, no conflicts (2 of 4 stars). 2 submissions from 2 submitters: Uncertain significance (2). Last evaluated 2022-05-15.

Conditions:
Inborn genetic diseases. Identifiers: MedGen C0950123, MeSH D030342.

Allele frequency attached by ClinVar (database versions not stated): gnomAD 0.00004; TOPMed 0.00005.
gnomAD v4.1: 44 of 1,612,960 alleles (0.0027%); highest among the groups gnomAD compares: South Asian, 0.0033%; no homozygotes.

Submissions (2):

Labcorp Genetics (formerly Invitae), Labcorp
Classification: Uncertain significance. Last evaluated: 2022-05-15. Review status: criteria provided, single submitter. Criteria: Invitae Variant Classification Sherloc (09022015). Collection method: clinical testing. Allele origin: germline.
Comment: This sequence change replaces arginine, which is basic and polar, with cysteine, which is neutral and slightly polar, at codon 225 of the OSTM1 protein (p.Arg225Cys). This variant is present in population databases (rs778551026, gnomAD 0.002%). This variant has not been reported in the literature in individuals affected with OSTM1-related conditions. Algorithms developed to predict the effect of missense changes on protein structure and function are either unavailable or do not agree on the potential impact of this missense change (SIFT: "Deleterious"; PolyPhen-2: "Possibly Damaging"; Align-GVGD: "Class C15"). In summary, the available evidence is currently insufficient to determine the role of this variant in disease. Therefore, it has been classified as a Variant of Uncertain Significance.

Ambry Genetics
Classification: Uncertain significance for Inborn genetic diseases. Last evaluated: 2021-09-16. Review status: criteria provided, single submitter. Criteria: Ambry Variant Classification Scheme 2023. Collection method: clinical testing. Allele origin: germline.

NM_014028.4(OSTM1):c.673C>T (p.Arg225Cys)

Gene: OSTM1 (osteoclastogenesis associated transmembrane protein 1; minus strand). Cytogenetic location: 6q21.
Variant type: single nucleotide variant.
Coding change: c.673C>T on transcript NM_014028.4 (MANE Select); coding-DNA position 673, C replaced by T.
Protein change: p.Arg225Cys; replaces arginine 225 with cysteine.
Molecular consequence: missense variant.
Genome position (GRCh38, 1-based): chr6:108,051,141, G>A on the plus strand (C>T on the coding strand, the complement: OSTM1 is on the minus strand). VCF-style: chr6-108051141-G-A. GRCh37 (hg19) VCF-style: chr6-108372345-G-A.
Other names: c.673C>T (NM_014028.3); short protein forms R225C.
Identifiers: ClinVar variation 2155120 (VCV002155120.2), dbSNP rs778551026, ClinGen allele CA145658756.